The following is an entry in ClinVar:

NM_016038.4(SBDS):c.77_78insGCCGGGAAGCGC (p.Arg26_Phe27insProGlySerAla)

Gene: SBDS (SBDS ribosome maturation factor; minus strand). Cytogenetic location: 7q11.21.
Variant type: Insertion.
Coding change: c.77_78insGCCGGGAAGCGC on transcript NM_016038.4 (MANE Select); coding-DNA positions 77 to 78, GCCGGGAAGCGC inserted.
Protein change: p.Arg26_Phe27insProGlySerAla.
Molecular consequence: inframe insertion.
Genome position: GRCh38 VCF-style: chr7-66995340-G-GGCGCTTCCCGGC. GRCh37 (hg19) VCF-style: chr7-66460327-G-GGCGCTTCCCGGC.
Identifiers: ClinVar variation 3891309 (VCV003891309.1).
Genomic context (GRCh38, chr7:66,995,340, plus strand): 5'-GGCTACTCACACGCCGCTCCGCCAGCCGACGACCTTGTTTTTGTAGCAGGCGATTTCGAA[G>GGCGCTTCCCGGC]CGCTTCCCGGCACGCTTCATCCGTACCACGGCCACATTGGTTAGGCGGATCTGGTTGGTG-3'

ClinVar aggregate classification (germline): Uncertain significance (1 of 4 stars; one submission).

Conditions:
Hereditary cancer-predisposing syndrome. Also called: Tumor predisposition; Neoplastic Syndromes, Hereditary; Hereditary Cancer Syndrome; Hereditary neoplastic syndrome. Identifiers: Orphanet 140162, MedGen C0027672, MeSH D009386, MONDO:0015356.

Submission:

Molecular Diagnostics Laboratory, Catalan Institute of Oncology
Classification: Uncertain significance for Hereditary cancer-predisposing syndrome. Last evaluated: 2025-02-11. Review status: criteria provided, single submitter. Criteria: ACMG Guidelines, 2015. Collection method: clinical testing. Allele origin: germline.
Comment: PM2_supporting DA (12/2/25): PM2_supporting -> VSD (1). The SBDS c.67_78dup, located in exon 1 of 5 is predicted to result in the duplication of 12 nt resulting in an in frame insertion of 4 AA p.(Ala23_Arg26dup). It is not present in the population database gnomAD v2.1.1, non cancer dataset (PM2_supporting). The SpliceAI algorithm predicts no significant impact on splicing. This variant has not been reported in the literature. The variant has not been identified in the ClinVar database. Based on the available evidence to date, this variant is classified as uncertain significance according ACMG guidelines.